The following is an entry in ClinVar:

ClinVar aggregate classification (germline): Uncertain significance (1 of 4 stars; one submission).

gnomAD v4.1: 3 of 1,614,000 alleles (0.00019%); highest among the groups gnomAD compares: Non-Finnish European, 0.00017%; no homozygotes.

Submission:

Labcorp Genetics (formerly Invitae), Labcorp
Classification: Uncertain significance. Last evaluated: 2025-10-05. Review status: criteria provided, single submitter. Criteria: Invitae Variant Classification Sherloc (09022015). Collection method: clinical testing. Allele origin: germline.
Comment: This sequence change replaces proline, which is neutral and non-polar, with arginine, which is basic and polar, at codon 2036 of the CHD8 protein (p.Pro2036Arg). This variant is not present in population databases (gnomAD no frequency). This variant has not been reported in the literature in individuals affected with CHD8-related conditions. ClinVar contains an entry for this variant (Variation ID: 1908663). Invitae Evidence Modeling of protein sequence and biophysical properties (such as structural, functional, and spatial information, amino acid conservation, physicochemical variation, residue mobility, and thermodynamic stability) indicates that this missense variant is not expected to disrupt CHD8 protein function with a negative predictive value of 95%. In summary, the available evidence is currently insufficient to determine the role of this variant in disease. Therefore, it has been classified as a Variant of Uncertain Significance.

NM_001170629.2(CHD8):c.6107C>G (p.Pro2036Arg)

Gene: CHD8 (chromodomain helicase DNA binding protein 8; minus strand). Cytogenetic location: 14q11.2.
Variant type: single nucleotide variant.
Coding change: c.6107C>G on transcript NM_001170629.2 (MANE Select); coding-DNA position 6107, C replaced by G.
Protein change: p.Pro2036Arg; replaces proline 2036 with arginine.
Molecular consequence: missense variant.
Genome position (GRCh38, 1-based): chr14:21,393,688, G>C on the plus strand (C>G on the coding strand, the complement: CHD8 is on the minus strand). VCF-style: chr14-21393688-G-C. GRCh37 (hg19) VCF-style: chr14-21861847-G-C.
Other names: c.5270C>G, p.Pro1757Arg (NM_020920.4); short protein forms P1757R, P2036R.
Identifiers: ClinVar variation 1908663 (VCV001908663.5), dbSNP rs978795164, ClinGen allele CA257593148.
Genomic context (GRCh38, chr14:21,393,688, plus strand): 5'-CGGGAAACCAGAGGGGTAGTATCAGAGGGGGATACTCGCATCTCATAGTCTTGTGGGGTT[G>C]GTCGGCTCCTGGCCACCACCTCGTGCTCTAGCTTTAAAGTCAGACTCTCCAGACTGGGGA-3'
Protein context (NP_001164100.1, residues 2026-2046): LEHEVVARSR[Pro2036Arg]TPQDYEMRVS